The following is an entry in ClinVar:

NM_001042492.3(NF1):c.2798T>A (p.Leu933Gln)

Gene: NF1 (neurofibromin 1; plus strand). Cytogenetic location: 17q11.2.
Variant type: single nucleotide variant.
Coding change: c.2798T>A on transcript NM_001042492.3 (MANE Select); coding-DNA position 2798, T replaced by A.
Protein change: p.Leu933Gln; replaces leucine 933 with glutamine.
Molecular consequence: missense variant.
Genome position (GRCh38, 1-based): chr17:31,229,413, T>A. VCF-style: chr17-31229413-T-A. GRCh37 (hg19) VCF-style: chr17-29556431-T-A.
Other names: c.2798T>A, p.Leu933Gln (NM_000267.4); short protein forms L933Q.
Identifiers: ClinVar variation 3237697 (VCV003237697.1), dbSNP rs1555614342.
Genomic context (GRCh38, chr17:31,229,413, plus strand): 5'-TACGGACCAATGTTAAGGATCTGGTGGGTCTAGAATTGAGTCCTGCTCTGTATCCAATGC[T>A]ATTTAACAAATTGAAGAATACCATCAGCAAGTTTTTTGACTCCCAAGGACAGGTAAAGTG-3'
Protein context (NP_001035957.1, residues 923-943): LELSPALYPM[Leu933Gln]FNKLKNTISK

ClinVar aggregate classification (germline): Uncertain significance (1 of 4 stars; one submission).

Conditions:
Hereditary cancer-predisposing syndrome. Also called: Neoplastic Syndromes, Hereditary; Tumor predisposition; Hereditary neoplastic syndrome; Hereditary Cancer Syndrome. Identifiers: Orphanet 140162, MedGen C0027672, MeSH D009386, MONDO:0015356.
Cardiovascular phenotype. Identifiers: MedGen CN230736.

Submission:

Ambry Genetics
Classification: Uncertain significance for Cardiovascular phenotype; Hereditary cancer-predisposing syndrome. Last evaluated: 2023-11-13. Review status: criteria provided, single submitter. Criteria: Ambry Variant Classification Scheme 2023. Collection method: clinical testing. Allele origin: germline.
Comment: The p.L933Q variant (also known as c.2798T>A), located in coding exon 21 of the NF1 gene, results from a T to A substitution at nucleotide position 2798. The leucine at codon 933 is replaced by glutamine, an amino acid with dissimilar properties. This variant was identified amongst a cohort of 1985 patients with a clinical diagnosis or symptoms of NF1 (van Minkelen R et al. Clin Genet, 2014 Apr;85:318-27). This amino acid position is highly conserved in available vertebrate species. In addition, this alteration is predicted to be deleterious by in silico analysis. Since supporting evidence is limited at this time, the clinical significance of this alteration remains unclear.